The following is an entry in ClinVar:

NM_000059.4(BRCA2):c.5973T>G (p.Ala1991=)

Gene: BRCA2 (BRCA2 DNA repair associated; plus strand). Cytogenetic location: 13q13.1.
Variant type: single nucleotide variant.
Coding change: c.5973T>G on transcript NM_000059.4 (MANE Select); coding-DNA position 5973, T replaced by G.
Protein change: p.Ala1991=; no amino-acid change (alanine 1991 retained).
Molecular consequence: synonymous variant.
Genome position (GRCh38, 1-based): chr13:32,340,328, T>G. VCF-style: chr13-32340328-T-G. GRCh37 (hg19) VCF-style: chr13-32914465-T-G.
Identifiers: ClinVar variation 233858 (VCV000233858.20), dbSNP rs876660687, ClinGen allele CA10579672.
Genomic context (GRCh38, chr13:32,340,328, plus strand): 5'-TGCAAATACTTGTGGGATTTTTAGCACAGCAAGTGGAAAATCTGTCCAGGTATCAGATGC[T>G]TCATTACAAAACGCAAGACAAGTGTTTTCTGAAATAGAAGATAGTACCAAGCAAGTCTTT-3'
Protein context (NP_000050.3, residues 1981-2001): ASGKSVQVSD[Ala1991=]SLQNARQVFS

ClinVar aggregate classification (germline): Likely benign. Review status: reviewed by expert panel (3 of 4 stars). 6 submissions from 6 submitters: Likely benign (1). 5 of the submissions do not count toward it. Last evaluated 2017-06-29.

Conditions:
Hereditary cancer-predisposing syndrome. Also called: Tumor predisposition; Hereditary Cancer Syndrome; Hereditary neoplastic syndrome; Neoplastic Syndromes, Hereditary. Identifiers: Orphanet 140162, MedGen C0027672, MeSH D009386, MONDO:0015356.
Hereditary breast ovarian cancer syndrome. Also called: Hereditary breast and ovarian cancer; Breast and ovarian cancer; BRCA1- and BRCA2-Associated Hereditary Breast and Ovarian Cancer; Hereditary breast and ovarian cancer syndrome; Hereditary breast and ovarian cancer syndrome (HBOC); Hereditary breast and/or ovarian cancer syndrome. Identifiers: Orphanet 145, MedGen C0677776, MeSH D061325, MONDO:0003582. Disease mechanism: loss of function.
Breast-ovarian cancer, familial, susceptibility to, 2 (BROVCA2). Also called: BRCA2 Hereditary Breast and Ovarian Cancer. Identifiers: Orphanet 145, MedGen C2675520, MONDO:0012933, OMIM 612555. Disease mechanism: loss of function.

Allele frequency attached by ClinVar (database versions not stated): gnomAD exomes below 0.00001; gnomAD 0.00001.
gnomAD v4.1: 4 of 1,613,934 alleles (0.00025%); highest among the groups gnomAD compares: African/African-American, 0.0053%; no homozygotes.

Submissions (6):

Evidence-based Network for the Interpretation of Germline Mutant Alleles (ENIGMA)
Classification: Likely benign for Breast-ovarian cancer, familial, susceptibility to, 2. Last evaluated: 2017-06-29. Review status: reviewed by expert panel. Criteria: ENIGMA BRCA1/2 Classification Criteria (2017-06-29). Collection method: curation. Allele origin: germline.
Comment: Synonymous substitution variant, with low bioinformatic likelihood to result in a splicing aberration (Splicing prior probability 0.02).

Labcorp Genetics (formerly Invitae), Labcorp
Classification: Likely benign for Hereditary breast ovarian cancer syndrome. Last evaluated: 2025-04-17. Review status: criteria provided, single submitter. Criteria: Invitae Variant Classification Sherloc (09022015). Collection method: clinical testing. Allele origin: germline. Not counted in ClinVar's aggregate classification.

Color Diagnostics, LLC DBA Color Health
Classification: Likely benign for Hereditary cancer-predisposing syndrome. Last evaluated: 2022-06-06. Review status: criteria provided, single submitter. Criteria: ACMG Guidelines, 2015. Collection method: clinical testing. Allele origin: germline. Not counted in ClinVar's aggregate classification.

Women's Health and Genetics/Laboratory Corporation of America, LabCorp
Classification: Likely benign. Last evaluated: 2019-08-21. Review status: criteria provided, single submitter. Criteria: LabCorp Variant Classification Summary - May 2015. Collection method: clinical testing. Allele origin: germline. Not counted in ClinVar's aggregate classification.

GeneDx
Classification: Likely benign. Last evaluated: 2018-03-23. Review status: criteria provided, single submitter. Criteria: GeneDx Variant Classification (06012015). Collection method: clinical testing. Allele origin: germline. Affected: yes. Not counted in ClinVar's aggregate classification.
Comment: This variant is considered likely benign or benign based on one or more of the following criteria: it is a conservative change, it occurs at a poorly conserved position in the protein, it is predicted to be benign by multiple in silico algorithms, and/or has population frequency not consistent with disease.

Ambry Genetics
Classification: Likely benign for Hereditary cancer-predisposing syndrome. Last evaluated: 2015-09-03. Review status: criteria provided, single submitter. Criteria: Ambry Variant Classification Scheme 2023. Collection method: clinical testing. Allele origin: germline. Not counted in ClinVar's aggregate classification.